The following is an entry in ClinVar:

ClinVar aggregate classification (germline): Uncertain significance. Review status: criteria provided, multiple submitters, no conflicts (2 of 4 stars). 2 submissions from 2 submitters: Uncertain significance (2). Last evaluated 2025-05-28.

Conditions:
Inborn genetic diseases. Identifiers: MedGen C0950123, MeSH D030342.

Allele frequency attached by ClinVar (database versions not stated): gnomAD exomes 0.00001; ExAC 0.00002; ESP Exome Variant Server 0.00008; gnomAD 0.00011; TOPMed 0.00012.
gnomAD v4.1: 33 of 1,613,976 alleles (0.002%); highest among the groups gnomAD compares: African/African-American, 0.04%; no homozygotes.

Submissions (2):

Ambry Genetics
Classification: Uncertain significance for Inborn genetic diseases. Last evaluated: 2025-05-28. Review status: criteria provided, single submitter. Criteria: Ambry Variant Classification Scheme 2023. Collection method: clinical testing. Allele origin: germline.

Labcorp Genetics (formerly Invitae), Labcorp
Classification: Uncertain significance. Last evaluated: 2023-06-05. Review status: criteria provided, single submitter. Criteria: Invitae Variant Classification Sherloc (09022015). Collection method: clinical testing. Allele origin: germline.
Comment: This variant is present in population databases (rs371621399, gnomAD 0.03%). This sequence change replaces serine, which is neutral and polar, with arginine, which is basic and polar, at codon 1083 of the CDK5RAP2 protein (p.Ser1083Arg). This variant has not been reported in the literature in individuals affected with CDK5RAP2-related conditions. In summary, the available evidence is currently insufficient to determine the role of this variant in disease. Therefore, it has been classified as a Variant of Uncertain Significance. An algorithm developed to predict the effect of missense changes on protein structure and function (PolyPhen-2) suggests that this variant is likely to be disruptive.

NM_018249.6(CDK5RAP2):c.3249T>A (p.Ser1083Arg)

Gene: CDK5RAP2 (CDK5 regulatory subunit associated protein 2; minus strand). Cytogenetic location: 9q33.2.
Variant type: single nucleotide variant.
Coding change: c.3249T>A on transcript NM_018249.6 (MANE Select); coding-DNA position 3249, T replaced by A.
Protein change: p.Ser1083Arg; replaces serine 1083 with arginine.
Molecular consequence: missense variant. On other transcripts: non-coding transcript variant (5).
Genome position (GRCh38, 1-based): chr9:120,439,872, A>T on the plus strand (T>A on the coding strand, the complement: CDK5RAP2 is on the minus strand). VCF-style: chr9-120439872-A-T. GRCh37 (hg19) VCF-style: chr9-123202150-A-T.
Other names: c.3249T>A, p.Ser1083Arg (NM_001011649.3); c.2559T>A, p.Ser853Arg (NM_001272039.2); c.3150T>A, p.Ser1050Arg (NM_001410992.1); c.3153T>A, p.Ser1051Arg (NM_001410993.1); c.3246T>A, p.Ser1082Arg (NM_001410994.1); c.3249T>A (NM_018249.4); short protein forms S1051R, S1082R, S1083R, S853R, S1050R.
Identifiers: ClinVar variation 3018917 (VCV003018917.4), dbSNP rs371621399, ClinGen allele CA5213856.
Genomic context (GRCh38, chr9:120,439,872, plus strand): 5'-AATGCTCTCTGACTGATCAGTCCCCATCACACTGACTTTAGCAGAAGGCTGACTCTTGGA[A>T]CTCAGGTAAGTAGCTACTGAAGTTGGGCTCAGAACATCTTCAGGATTTTCTTTGCATGAT-3'
Protein context (NP_060719.4, residues 1073-1093): LSPTSVATYL[Ser1083Arg]SKSQPSAKVS